The following is an entry in ClinVar:

NM_000161.3(GCH1):c.229_246del (p.Ser77_Leu82del)

Gene: GCH1 (GTP cyclohydrolase 1; minus strand). Cytogenetic location: 14q22.2.
Variant type: Deletion.
Coding change: c.229_246del on transcript NM_000161.3 (MANE Select); coding-DNA positions 229 to 246, 18 bases deleted (TCCATCCTGAGCTCGCTG).
Protein change: p.Ser77_Leu82del.
Molecular consequence: inframe deletion.
Genome position (GRCh38, 1-based): chr14:54,902,418-54,902,435, CAGCGAGCTCAGGATGGA deleted on the plus strand (TCCATCCTGAGCTCGCTG on the coding strand, the reverse complement: GCH1 is on the minus strand); deleting any 18 consecutive bases within chr14:54,902,418-54,902,436 gives the same sequence; the c. name uses the placement nearest the transcript's 3' end. VCF-style (leftmost placement, unchanged base first): chr14-54902417-CCAGCGAGCTCAGGATGGA-C. GRCh37 (hg19) VCF-style: chr14-55369135-CCAGCGAGCTCAGGATGGA-C.
Other names: c.229_246del, p.Ser77_Leu82del (NM_001024024.2, NM_001024070.2, NM_001024071.2).
Identifiers: ClinVar variation 1370543 (VCV001370543.6), dbSNP rs2140127202, ClinGen allele CA2573149961.

ClinVar aggregate classification (germline): Uncertain significance (1 of 4 stars; one submission).

Conditions:
Dystonia 5 (DRD). Also called: GTP Cyclohydrolase 1-Deficient Dopa-Responsive Dystonia; DYSTONIA, PROGRESSIVE, WITH DIURNAL VARIATION; DYSTONIA-PARKINSONISM WITH DIURNAL FLUCTUATION; Dystonia, DOPA-responsive, with or without hyperphenylalaninemia; DYT-GCH1. Identifiers: Orphanet 98808, MedGen C1851920, MONDO:0007495, OMIM 128230.
GTP cyclohydrolase I deficiency. Identifiers: MedGen C0268467, MONDO:0100184.

Submission:

Labcorp Genetics (formerly Invitae), Labcorp
Classification: Uncertain significance for GTP cyclohydrolase I deficiency; Dystonia 5. Last evaluated: 2025-08-13. Review status: criteria provided, single submitter. Criteria: Invitae Variant Classification Sherloc (09022015). Collection method: clinical testing. Allele origin: germline.
Comment: This variant, c.229_246del, results in the deletion of 6 amino acid(s) of the GCH1 protein (p.Ser77_Leu82del), but otherwise preserves the integrity of the reading frame. This variant is not present in population databases (gnomAD no frequency). This variant has been observed in individuals with dystonia (PMID: 9566388, 33713342; internal data). ClinVar contains an entry for this variant (Variation ID: 1370543). Experimental studies and prediction algorithms are not available or were not evaluated, and the functional significance of this variant is currently unknown. In summary, the available evidence is currently insufficient to determine the role of this variant in disease. Therefore, it has been classified as a Variant of Uncertain Significance.

Literature cited by the submitters: PubMed 9566388; PubMed 33713342.